The following is an entry in ClinVar:

ClinVar aggregate classification (germline): Uncertain significance (1 of 4 stars; one submission).

Submission:

Ambry Genetics
Classification: Uncertain significance. Last evaluated: 2025-06-21. Review status: criteria provided, single submitter. Criteria: Ambry Variant Classification Scheme 2023. Collection method: clinical testing. Allele origin: germline.
Comment: The p.Q345H variant (also known as c.1035A>T), located in coding exon 9 of the RAD51B gene, results from an A to T substitution at nucleotide position 1035. The glutamine at codon 345 is replaced by histidine, an amino acid with highly similar properties. This amino acid position is conserved. In addition, this alteration is predicted to be tolerated by in silico analysis. Based on the available evidence, the clinical significance of this variant remains unclear.

NM_133510.4(RAD51B):c.1035A>T (p.Gln345His)

Gene: RAD51B (RAD51 paralog B; plus strand). Cytogenetic location: 14q24.1.
Variant type: single nucleotide variant.
Coding change: c.1035A>T on transcript NM_133510.4 (MANE Select); coding-DNA position 1035, A replaced by T.
Protein change: p.Gln345His; replaces glutamine 345 with histidine.
Molecular consequence: missense variant.
Genome position (GRCh38, 1-based): chr14:68,468,249, A>T. VCF-style: chr14-68468249-A-T. GRCh37 (hg19) VCF-style: chr14-68934966-A-T.
Other names: c.1035A>T, p.Gln345His (NM_001321809.2, NM_001321810.2, NM_001321812.1 and 6 more transcripts); c.921A>T, p.Gln307His (NM_001321815.1); c.678A>T, p.Gln226His (NM_001321817.2); short protein forms Q226H, Q345H, Q307H.
Identifiers: ClinVar variation 4149805 (VCV004149805.1).